The following is an entry in ClinVar:

NM_152564.5(VPS13B):c.896del (p.Asp299fs)

Gene: VPS13B (vacuolar protein sorting 13 homolog B; plus strand). Cytogenetic location: 8q22.2.
Variant type: Deletion.
Coding change: c.896del on transcript NM_152564.5 (MANE Select); coding-DNA position 896, one base deleted (A; older notation c.896delA).
Protein change: p.Asp299fs; shifts the reading frame from aspartic acid 299.
Molecular consequence: frameshift variant. On other transcripts: non-coding transcript variant (1).
Genome position (GRCh38, 1-based): chr8:99,115,833, A deleted. VCF-style (leftmost placement, unchanged base first): chr8-99115832-GA-G. GRCh37 (hg19) VCF-style: chr8-100128060-GA-G.
Other names: c.896del, p.Asp299fs (NM_015243.3, NM_017890.5, NM_181661.3); short protein forms D299fs.
Identifiers: ClinVar variation 1458446 (VCV001458446.6), dbSNP rs2132498049, ClinGen allele CA2573143552.

ClinVar aggregate classification (germline): Pathogenic (1 of 4 stars; one submission).

Conditions:
Cohen syndrome (COH1). Also called: PEPPER SYNDROME; Cutis verticis gyrata, retinitis pigmentosa, and sensorineural deafness. Identifiers: Orphanet 193, MedGen C0265223, MONDO:0008999, OMIM 216550.

Submission:

Labcorp Genetics (formerly Invitae), Labcorp
Classification: Pathogenic for Cohen syndrome. Last evaluated: 2021-03-02. Review status: criteria provided, single submitter. Criteria: Invitae Variant Classification Sherloc (09022015). Collection method: clinical testing. Allele origin: germline.
Comment: For these reasons, this variant has been classified as Pathogenic. This variant has not been reported in the literature in individuals with VPS13B-related conditions. This variant is not present in population databases (ExAC no frequency). This sequence change creates a premature translational stop signal (p.Asp299Alafs*10) in the VPS13B gene. It is expected to result in an absent or disrupted protein product. Loss-of-function variants in VPS13B are known to be pathogenic (PMID: 15141358, 16648375, 20461111).

Literature cited by the submitters: PubMed 15141358; PubMed 16648375; PubMed 20461111.